The following is an entry in ClinVar:

NM_001197104.2(KMT2A):c.11110C>T (p.Arg3704Ter)

Genes: KMT2A (lysine methyltransferase 2A; plus strand), TTC36-AS1 (TTC36 and KMT2A antisense RNA 1; minus strand). Cytogenetic location: 11q23.3.
Variant type: single nucleotide variant.
Coding change: c.11110C>T on transcript NM_001197104.2 (MANE Select); coding-DNA position 11110, C replaced by T.
Protein change: p.Arg3704Ter; replaces arginine 3704 with a stop codon.
Molecular consequence: nonsense. On other transcripts: non-coding transcript variant (1).
Genome position (GRCh38, 1-based): chr11:118,511,989, C>T. VCF-style: chr11-118511989-C-T. GRCh37 (hg19) VCF-style: chr11-118382704-C-T.
Other names: c.11101C>T, p.Arg3701Ter (NM_005933.4); short protein forms R3704*, R3701*.
Identifiers: ClinVar variation 523802 (VCV000523802.5), dbSNP rs1555050211, ClinGen allele CA382830524.

ClinVar aggregate classification (germline): Pathogenic. Review status: criteria provided, single submitter (1 of 4 stars). 2 submissions from 2 submitters: Pathogenic (1). 1 of the submissions does not count toward it. Last evaluated 2022-02-18.

Conditions:
Wiedemann-Steiner syndrome (WDSTS). Also called: Growth deficiency and mental retardation with facial dysmorphism. Identifiers: Orphanet 319182, MedGen C1854630, MONDO:0011518, OMIM 605130.

Submissions (2):

GeneDx
Classification: Pathogenic. Last evaluated: 2022-02-18. Review status: criteria provided, single submitter. Criteria: GeneDx Variant Classification Process June 2021. Collection method: clinical testing. Allele origin: germline. Affected: yes.
Comment: Nonsense variant predicted to result in protein truncation or nonsense mediated decay in a gene for which loss-of-function is a known mechanism of disease; Not observed at significant frequency in large population cohorts (gnomAD); Has not been previously published as pathogenic or benign to our knowledge

Service de Génétique Moléculaire, Hôpital Robert Debré
Classification: Pathogenic for Wiedemann-Steiner syndrome. Last evaluated: 2020-05-26. Review status: no assertion criteria provided. Collection method: clinical testing. Allele origin: de novo. Affected: yes. Not counted in ClinVar's aggregate classification.